The following is an entry in ClinVar:

NM_000169.3(GLA):c.1069C>T (p.Gln357Ter)

Genes: GLA (galactosidase alpha; minus strand), RPL36A-HNRNPH2 (RPL36A-HNRNPH2 readthrough; plus strand). Cytogenetic location: Xq22.1.
Variant type: single nucleotide variant.
Coding change: c.1069C>T on transcript NM_000169.3 (MANE Select); coding-DNA position 1069, C replaced by T.
Protein change: p.Gln357Ter; replaces glutamine 357 with a stop codon.
Molecular consequence: nonsense. On other transcripts: non-coding transcript variant (3), intron variant (2).
Genome position (GRCh38, 1-based): chrX:101,398,030, G>A on the plus strand (C>T on the coding strand, the complement: GLA is on the minus strand). VCF-style: chrX-101398030-G-A. GRCh37 (hg19) VCF-style: chrX-100653018-G-A.
Other names: c.1192C>T, p.Gln398Ter (NM_001406747.1); c.300+2573G>A (NM_001199973.2); c.177+6208G>A (NM_001199974.2); short protein forms Q357*, Q398*.
Identifiers: ClinVar variation 222136 (VCV000222136.7), dbSNP rs869312223, ClinGen allele CA352747.
Genomic context (GRCh38, chrX:101,398,030, plus strand): 5'-CCACTCCTTTACCCAGGGAAGCAACTGCGATGGTATAAGAGCGAGGTCCACCAATCTCCT[G>A]CCGGTTTATCATAGCTACAGCCCAGGCTAAGCCTGAGAGAGGTCGTTCCCACACTTCAAA-3'

ClinVar aggregate classification (germline): Pathogenic/Likely pathogenic. Review status: criteria provided, multiple submitters, no conflicts (2 of 4 stars). 3 submissions from 3 submitters: Pathogenic (2); Likely pathogenic (1). Last evaluated 2026-09-08.

Conditions:
Fabry disease. Also called: GLA DEFICIENCY; HEREDITARY DYSTOPIC LIPIDOSIS; Fabry's disease; Angiokeratoma corporis diffusum; Ceramide trihexosidosis; ALPHA-GALACTOSIDASE A DEFICIENCY. Identifiers: Orphanet 324, MedGen C0002986, MONDO:0010526, OMIM 301500, HP:0001071. Disease mechanism: loss of function, Fabry disease is due to inactivating mutations in the X-linked GLA gene resulting in deficiency of the enzyme Alpha Galactosidase-A..
GLA-related disorder. Also called: GLA-related condition.

Submissions (3):

Genomenon, Inc
Classification: Pathogenic for Fabry disease. Last evaluated: 2026-09-08. Review status: criteria provided, single submitter. Criteria: Genomenon Sequence Variant Interpretation Standards - Updated. Collection method: curation. Allele origin: germline. Affected: yes.
Comment: GLA p.Gln357Ter (c.1069C>T) is a nonsense variant that introduces a premature stop codon at amino acid position 357 and is predicted to result in a truncated or absent protein product. This variant has been observed in at least one proband with clinical features consistent with Fabry disease (PMID:30594474;38638148;40981160;37895103;9213168;38618884;11531969;29982630). The variant was found to segregate with disease in at least one affected family (PMID:40981160). At least one functional study has demonstrated a substantial alteration in protein function relative to the wild-type (PMID:27657681). It is absent or not present at a significant frequency in gnomAD. In conclusion, we classify GLA p.Gln357Ter (c.1069C>T) as a pathogenic variant.

Blueprint Genetics
Classification: Likely pathogenic for GLA-related disorders. Last evaluated: 2022-07-11. Review status: criteria provided, single submitter. Criteria: ACMG Guidelines, 2015. Collection method: clinical testing. Allele origin: germline. Affected: yes. Observed: 2 variant alleles.

Eurofins Ntd Llc (ga)
Classification: Pathogenic. Last evaluated: 2018-04-18. Review status: criteria provided, single submitter. Criteria: EGL ClinVar v180209 classification definitions. Collection method: clinical testing. Allele origin: germline. Observed: 1 variant allele, 1 heterozygote.

Literature cited by the submitters: PubMed 30594474 (cited by Genomenon, Inc); PubMed 38638148 (cited by Genomenon, Inc); PubMed 40981160 (cited by Genomenon, Inc); PubMed 37895103 (cited by Genomenon, Inc); PubMed 9213168 (cited by Genomenon, Inc); PubMed 38618884 (cited by Genomenon, Inc); PubMed 11531969 (cited by Genomenon, Inc); PubMed 29982630 (cited by Genomenon, Inc); PubMed 27657681 (cited by Genomenon, Inc).